The following is an entry in ClinVar:

ClinVar aggregate classification (germline): Uncertain significance. Review status: criteria provided, multiple submitters, no conflicts (2 of 4 stars). 2 submissions from 2 submitters: Uncertain significance (2). Last evaluated 2026-08-27.

Conditions:
Progressive sclerosing poliodystrophy (MTDPS4A). Also called: Mitochondrial DNA Depletion Syndrome 4A; Alpers-Huttenlocher Syndrome (AHS); Alpers Syndrome; ALPERS DIFFUSE DEGENERATION OF CEREBRAL GRAY MATTER WITH HEPATIC CIRRHOSIS; Alpers-Huttenlocher Syndrome; ALPERS PROGRESSIVE INFANTILE POLIODYSTROPHY. Identifiers: Orphanet 726, MedGen C0205710, MONDO:0008758, OMIM 203700.
Inborn genetic diseases. Identifiers: MedGen C0950123, MeSH D030342.

Submissions (2):

Ambry Genetics
Classification: Uncertain significance for Inborn genetic diseases. Last evaluated: 2026-08-27. Review status: criteria provided, single submitter. Criteria: Ambry Variant Classification Scheme 2023. Collection method: clinical testing. Allele origin: germline.

Labcorp Genetics (formerly Invitae), Labcorp
Classification: Uncertain significance for Progressive sclerosing poliodystrophy. Last evaluated: 2023-09-22. Review status: criteria provided, single submitter. Criteria: Invitae Variant Classification Sherloc (09022015). Collection method: clinical testing. Allele origin: germline.
Comment: This sequence change replaces glycine, which is neutral and non-polar, with alanine, which is neutral and non-polar, at codon 252 of the POLG protein (p.Gly252Ala). This variant is not present in population databases (gnomAD no frequency). This variant has not been reported in the literature in individuals affected with POLG-related conditions. Advanced modeling of protein sequence and biophysical properties (such as structural, functional, and spatial information, amino acid conservation, physicochemical variation, residue mobility, and thermodynamic stability) performed at Invitae indicates that this missense variant is not expected to disrupt POLG protein function. In summary, the available evidence is currently insufficient to determine the role of this variant in disease. Therefore, it has been classified as a Variant of Uncertain Significance.

NM_002693.3(POLG):c.755G>C (p.Gly252Ala)

Gene: POLG (DNA polymerase gamma, catalytic subunit; minus strand). Cytogenetic location: 15q26.1.
Variant type: single nucleotide variant.
Coding change: c.755G>C on transcript NM_002693.3 (MANE Select); coding-DNA position 755, G replaced by C.
Protein change: p.Gly252Ala; replaces glycine 252 with alanine.
Molecular consequence: missense variant.
Genome position (GRCh38, 1-based): chr15:89,330,181, C>G on the plus strand (G>C on the coding strand, the complement: POLG is on the minus strand). VCF-style: chr15-89330181-C-G. GRCh37 (hg19) VCF-style: chr15-89873412-C-G.
Other names: c.755G>C, p.Gly252Ala (NM_001126131.2); short protein forms G252A.
Identifiers: ClinVar variation 3008558 (VCV003008558.4), dbSNP rs2055575768, ClinGen allele CA393766985.
Genomic context (GRCh38, chr15:89,330,181, plus strand): 5'-GAAACATTGTGCCCCACCACTAACTGCTCCTGCCAGTCTCTCTGGGTGGGGCTGCTGGCA[C>G]CAGTAGGGACCTCCAGGGGGATGAGGTCAGCCGGCGACAGCTGGCTGGTCCAAGAGTAAC-3'
Protein context (NP_002684.1, residues 242-262): ADLIPLEVPT[Gly252Ala]ASSPTQRDWQ